The following is an entry in ClinVar:

ClinVar aggregate classification (germline): Uncertain significance (1 of 4 stars; one submission).

Conditions:
Hereditary cancer-predisposing syndrome. Also called: Neoplastic Syndromes, Hereditary; Tumor predisposition; Hereditary neoplastic syndrome; Hereditary Cancer Syndrome. Identifiers: Orphanet 140162, MedGen C0027672, MeSH D009386, MONDO:0015356.

Submission:

Ambry Genetics
Classification: Uncertain significance for Hereditary cancer-predisposing syndrome. Last evaluated: 2024-03-06. Review status: criteria provided, single submitter. Criteria: Ambry Variant Classification Scheme 2023. Collection method: clinical testing. Allele origin: germline.
Comment: The p.C1275G variant (also known as c.3823T>G), located in coding exon 9 of the MSH6 gene, results from a T to G substitution at nucleotide position 3823. The cysteine at codon 1275 is replaced by glycine, an amino acid with highly dissimilar properties. This amino acid position is conserved. In addition, the in silico prediction for this alteration is inconclusive. Based on the available evidence, the clinical significance of this alteration remains unclear.

NM_000179.3(MSH6):c.3823T>G (p.Cys1275Gly)

Gene: MSH6 (mutS homolog 6; plus strand). Cytogenetic location: 2p16.3.
Variant type: single nucleotide variant.
Coding change: c.3823T>G on transcript NM_000179.3 (MANE Select); coding-DNA position 3823, T replaced by G.
Protein change: p.Cys1275Gly; replaces cysteine 1275 with glycine.
Molecular consequence: missense variant. On other transcripts: non-coding transcript variant (5), intron variant (1).
Genome position (GRCh38, 1-based): chr2:47,806,473, T>G. VCF-style: chr2-47806473-T-G. GRCh37 (hg19) VCF-style: chr2-48033612-T-G.
Other names: c.2917T>G, p.Cys973Gly (NM_001406812.1, NM_001406814.1, NM_001406815.1 and 6 more transcripts); c.3829T>G, p.Cys1277Gly (NM_001406813.1); c.2257T>G, p.Cys753Gly (NM_001406817.1); c.3526T>G, p.Cys1176Gly (NM_001406818.1, NM_001406819.1, NM_001406820.1 and 10 more transcripts); c.3655T>G, p.Cys1219Gly (NM_001406826.1); c.604T>G, p.Cys202Gly (NM_001406831.1); c.670T>G, p.Cys224Gly (NM_001406832.1); c.1768T>G, p.Cys590Gly (NM_001407362.1); and 9 more; short protein forms C1100G, C1145G, C1176G, C1217G, C1219G, C1249G, C1275G, C1277G.
Identifiers: ClinVar variation 3230562 (VCV003230562.1), dbSNP rs1670094883, ClinGen allele CA346761256.